The following is an entry in ClinVar:

NM_012123.4(MTO1):c.1997G>A (p.Arg666Gln)

Gene: MTO1 (mitochondrial tRNA translation optimization 1; plus strand). Cytogenetic location: 6q13.
Variant type: single nucleotide variant.
Coding change: c.1997G>A on transcript NM_012123.4 (MANE Select); coding-DNA position 1997, G replaced by A.
Protein change: p.Arg666Gln; replaces arginine 666 with glutamine.
Molecular consequence: missense variant.
Genome position (GRCh38, 1-based): chr6:73,500,653, G>A. VCF-style: chr6-73500653-G-A. GRCh37 (hg19) VCF-style: chr6-74210376-G-A.
Other names: c.2117G>A, p.Arg706Gln (NM_001123226.2); c.2072G>A, p.Arg691Gln (NM_133645.3); short protein forms R706Q, R666Q, R691Q.
Identifiers: ClinVar variation 2006479 (VCV002006479.1), dbSNP rs1772134598, ClinGen allele CA364701932.
Genomic context (GRCh38, chr6:73,500,653, plus strand): 5'-TACCCGGAGTAACACCTGCCGCCATCATCAATCTGCTGAGATTTGTGAAGACCACTCAAC[G>A]AAGACAGTCGGCTATGAATGAATCATCCAAGACTGATCAATACTTATGTGATGCAGACAG-3'
Protein context (NP_036255.2, residues 656-676): NLLRFVKTTQ[Arg666Gln]RQSAMNESSK

ClinVar aggregate classification (germline): Uncertain significance (1 of 4 stars; one submission).

Conditions:
Mitochondrial hypertrophic cardiomyopathy with lactic acidosis due to MTO1 deficiency. Also called: Combined oxidative phosphorylation deficiency 10; CARDIOMYOPATHY, INFANTILE HYPERTROPHIC MITOCHONDRIAL, AND LACTIC ACIDOSIS. Identifiers: Orphanet 314637, MedGen C4749921, MONDO:0013865, OMIM 614702.

Allele frequency attached by ClinVar (database versions not stated): TOPMed below 0.00001; gnomAD exomes 0.00001.
gnomAD v4.1: 10 of 1,613,928 alleles (0.00062%); highest among the groups gnomAD compares: Non-Finnish European, 0.00076%; no homozygotes.

Submission:

Labcorp Genetics (formerly Invitae), Labcorp
Classification: Uncertain significance for Mitochondrial hypertrophic cardiomyopathy with lactic acidosis due to MTO1 deficiency. Last evaluated: 2022-07-08. Review status: criteria provided, single submitter. Criteria: Invitae Variant Classification Sherloc (09022015). Collection method: clinical testing. Allele origin: germline.
Comment: This sequence change replaces arginine, which is basic and polar, with glutamine, which is neutral and polar, at codon 666 of the MTO1 protein (p.Arg666Gln). This variant is not present in population databases (gnomAD no frequency). This variant has not been reported in the literature in individuals affected with MTO1-related conditions. Algorithms developed to predict the effect of missense changes on protein structure and function output the following: SIFT: "Tolerated"; PolyPhen-2: "Benign"; Align-GVGD: "Class C0". The glutamine amino acid residue is found in multiple mammalian species, which suggests that this missense change does not adversely affect protein function. In summary, the available evidence is currently insufficient to determine the role of this variant in disease. Therefore, it has been classified as a Variant of Uncertain Significance.